The following is an entry in ClinVar:

ClinVar aggregate classification (germline): Uncertain significance (1 of 4 stars; one submission).

Submission:

Labcorp Genetics (formerly Invitae), Labcorp
Classification: Uncertain significance. Last evaluated: 2022-03-12. Review status: criteria provided, single submitter. Criteria: Invitae Variant Classification Sherloc (09022015). Collection method: clinical testing. Allele origin: germline.
Comment: Information on the frequency of this variant in the gnomAD database is not available, as this variant may be reported differently in the database. In summary, the available evidence is currently insufficient to determine the role of this variant in disease. Therefore, it has been classified as a Variant of Uncertain Significance. Algorithms developed to predict the effect of missense changes on protein structure and function are either unavailable or do not agree on the potential impact of this missense change (SIFT: "Not Available"; PolyPhen-2: "Possibly Damaging"; Align-GVGD: "Not Available"). This variant has not been reported in the literature in individuals affected with CHM-related conditions. This sequence change replaces glutamic acid, which is acidic and polar, with arginine, which is basic and polar, at codon 518 of the CHM protein (p.Glu518Arg).

NM_000390.4(CHM):c.1552_1553delinsAG (p.Glu518Arg)

Gene: CHM (CHM Rab escort protein; minus strand). Cytogenetic location: Xq21.2.
Variant type: Indel.
Coding change: c.1552_1553delinsAG on transcript NM_000390.4 (MANE Select); coding-DNA positions 1552 to 1553, GA replaced by AG.
Protein change: p.Glu518Arg; replaces glutamic acid 518 with arginine.
Molecular consequence: missense variant.
Genome position (GRCh38, 1-based): chrX:85,879,021-85,879,022, TC replaced by CT on the plus strand (GA replaced by AG on the coding strand, the reverse complement: CHM is on the minus strand). VCF-style: chrX-85879021-TC-CT. GRCh37 (hg19) VCF-style: chrX-85134026-TC-CT.
Other names: c.1108_1109delinsAG, p.Glu370Arg (NM_001320959.1, NM_001362517.1, NM_001362518.2 and 1 more transcripts); short protein forms E518R, E370R.
Identifiers: ClinVar variation 2110442 (VCV002110442.4), dbSNP rs2520028120, ClinGen allele CA2580102020.